The following is an entry in ClinVar:

NM_000112.4(SLC26A2):c.2T>A (p.Met1Lys)

Gene: SLC26A2 (solute carrier family 26 member 2; plus strand). Cytogenetic location: 5q32.
Variant type: single nucleotide variant.
Coding change: c.2T>A on transcript NM_000112.4 (MANE Select); coding-DNA position 2, T replaced by A.
Protein change: p.Met1Lys; changes the start codon (methionine 1).
Molecular consequence: missense variant, initiator codon variant.
Genome position (GRCh38, 1-based): chr5:149,977,654, T>A. VCF-style: chr5-149977654-T-A. GRCh37 (hg19) VCF-style: chr5-149357217-T-A.
Other names: short protein forms M1K.
Identifiers: ClinVar variation 4817463 (VCV004817463.1).

ClinVar aggregate classification (germline): Likely pathogenic (1 of 4 stars; one submission).

Conditions:
Achondrogenesis, type IB (ACG1B). Also called: Achondrogenesis Type 1B. Identifiers: Orphanet 932, Orphanet 93298, MedGen C0265274, MONDO:0010966, OMIM 600972.

Submission:

Natera, Inc.
Classification: Likely pathogenic for Achondrogenesis type IB. Last evaluated: 2024-10-14. Review status: criteria provided, single submitter. Criteria: Natera Variant Classification Schema (03/2026). Collection method: clinical testing. Allele origin: germline.
Comment: The c.2T>A variant in SLC26A2 is predicted to result in start loss due to disruption of the initiator methionine. This variant is expected to result in nonsense mediated decay, truncation, or a dysfunctional protein product. This variant is rare in the general population with a frequency below the threshold expected for the associated phenotype(s). Given the available evidence, this variant is classified as Likely Pathogenic.